The following is an entry in ClinVar:

NM_001034853.2(RPGR):c.247+2T>C

Gene: RPGR (retinitis pigmentosa GTPase regulator; minus strand). Cytogenetic location: Xp11.4.
Variant type: single nucleotide variant.
Coding change: c.247+2T>C on transcript NM_001034853.2 (MANE Select); the canonical splice donor site of the intron after coding-DNA position 247, T replaced by C.
Molecular consequence: splice donor variant.
Genome position (GRCh38, 1-based): chrX:38,322,851, A>G on the plus strand (T>C on the coding strand, the complement: RPGR is on the minus strand). VCF-style: chrX-38322851-A-G. GRCh37 (hg19) VCF-style: chrX-38182104-A-G.
Other names: c.247+2T>C (NM_001367249.1, NM_001367250.1, NM_001367245.1 and 4 more transcripts); c.277+2T>C (NM_001367248.1).
Identifiers: ClinVar variation 2152338 (VCV002152338.4), dbSNP rs2519909164, ClinGen allele CA412745488.

ClinVar aggregate classification (germline): Pathogenic (1 of 4 stars; one submission).

Conditions:
Primary ciliary dyskinesia. Also called: Ciliary dyskinesia. Identifiers: Orphanet 244, MedGen C0008780, MONDO:0016575, HP:0012265.

Submission:

Labcorp Genetics (formerly Invitae), Labcorp
Classification: Pathogenic for Primary ciliary dyskinesia. Last evaluated: 2023-04-04. Review status: criteria provided, single submitter. Criteria: Invitae Variant Classification Sherloc (09022015). Collection method: clinical testing. Allele origin: germline.
Comment: For these reasons, this variant has been classified as Pathogenic. Algorithms developed to predict the effect of sequence changes on RNA splicing suggest that this variant may disrupt the consensus splice site. ClinVar contains an entry for this variant (Variation ID: 2152338). Disruption of this splice site has been observed in individuals with retinitis pigmentosa (PMID: 29641573; Invitae). This variant is not present in population databases (gnomAD no frequency). This sequence change affects a donor splice site in intron 3 of the RPGR gene. It is expected to disrupt RNA splicing. Variants that disrupt the donor or acceptor splice site typically lead to a loss of protein function (PMID: 16199547), and loss-of-function variants in RPGR are known to be pathogenic (PMID: 16055928, 16969763).

Literature cited by the submitters: PubMed 29641573; PubMed 16199547; PubMed 16055928; PubMed 16969763.